The following is an entry in ClinVar:

ClinVar aggregate classification (germline): Conflicting classifications of pathogenicity. Review status: criteria provided, conflicting classifications (1 of 4 stars). 12 submissions from 12 submitters: Uncertain significance (10); Benign (1); Likely benign (1). Last evaluated 2025-10-30.

Conditions:
Hereditary breast ovarian cancer syndrome. Also called: Breast and ovarian cancer; Hereditary breast and/or ovarian cancer syndrome; BRCA1- and BRCA2-Associated Hereditary Breast and Ovarian Cancer; Hereditary breast and ovarian cancer syndrome; Hereditary breast and ovarian cancer syndrome (HBOC); Hereditary breast and ovarian cancer. Identifiers: Orphanet 145, MedGen C0677776, MeSH D061325, MONDO:0003582. Disease mechanism: loss of function.
Breast-ovarian cancer, familial, susceptibility to, 1 (BROVCA1). Also called: BRCA1 Hereditary Breast and Ovarian Cancer; OVARIAN CANCER, SUSCEPTIBILITY TO. Identifiers: Orphanet 145, MedGen C2676676, MONDO:0011450, OMIM 604370. Disease mechanism: loss of function.
BRCA1-related disorder. Also called: BRCA1-related condition.
Hereditary cancer-predisposing syndrome. Also called: Tumor predisposition; Hereditary Cancer Syndrome; Hereditary neoplastic syndrome; Neoplastic Syndromes, Hereditary. Identifiers: Orphanet 140162, MedGen C0027672, MeSH D009386, MONDO:0015356.
Familial cancer of breast. Also called: BREAST CANCER, FAMILIAL; Hereditary breast cancer; hereditary breast carcinoma. Identifiers: Orphanet 227535, MedGen C0346153, MONDO:0016419, OMIM 114480. Disease mechanism: loss of function.
Pancreatic cancer, susceptibility to, 4. Identifiers: Orphanet 1333, MedGen C3280442, MONDO:0013685, OMIM 614320.
Fanconi anemia, complementation group S (FANCS). Identifiers: MedGen C4554406, MONDO:0054748, OMIM 617883.

Allele frequency attached by ClinVar (database versions not stated): TOPMed below 0.00001.

Submissions (12):

Labcorp Genetics (formerly Invitae), Labcorp
Classification: Uncertain significance for Hereditary breast ovarian cancer syndrome. Last evaluated: 2025-10-30. Review status: criteria provided, single submitter. Criteria: Invitae Variant Classification Sherloc (09022015). Collection method: clinical testing. Allele origin: germline.
Comment: This sequence change replaces serine, which is neutral and polar, with threonine, which is neutral and polar, at codon 1027 of the BRCA1 protein (p.Ser1027Thr). This variant is not present in population databases (gnomAD no frequency). This variant has not been reported in the literature in individuals affected with BRCA1-related conditions. ClinVar contains an entry for this variant (Variation ID: 496362). Invitae Evidence Modeling of protein sequence and biophysical properties (such as structural, functional, and spatial information, amino acid conservation, physicochemical variation, residue mobility, and thermodynamic stability) has been performed for this missense variant. However, the output from this modeling did not meet the statistical confidence thresholds required to predict the impact of this variant on BRCA1 protein function. In summary, the available evidence is currently insufficient to determine the role of this variant in disease. Therefore, it has been classified as a Variant of Uncertain Significance.

PreventionGenetics, part of Exact Sciences
Classification: Uncertain significance for BRCA1-related condition. Last evaluated: 2025-10-01. Review status: criteria provided, single submitter. Criteria: ACMG Guidelines, 2015. Collection method: clinical testing. Allele origin: germline.
Comment: The BRCA1 c.3080G>C variant is predicted to result in the amino acid substitution p.Ser1027Thr. To our knowledge, this variant has not been reported in affected individuals in the literature or in a large population database (gnomAD), indicating this variant is rare. This variant has conflicting classifications in ClinVar ranging from uncertain significance to benign (Variation ID: 496362). At this time, the clinical significance of this variant is uncertain due to the absence of conclusive functional and genetic evidence.

Myriad Genetics, Inc.
Classification: Benign for Breast-ovarian cancer, familial, susceptibility to, 1. Last evaluated: 2025-03-06. Review status: criteria provided, single submitter. Criteria: Myriad Autosomal Dominant, Autosomal Recessive and X-Linked Classification Criteria (2023). Collection method: clinical testing. Allele origin: unknown.
Comment: This variant is considered benign. This variant is strongly associated with less severe personal and family histories of cancer, typical for individuals without pathogenic variants in this gene [PMID: 25085752]. Homozygosity has been confirmed in one or more individuals. As homozygosity for pathogenic variants in this gene is generally assumed to result in embryonic lethality, this variant is unlikely to be pathogenic.

GeneDx
Classification: Uncertain significance. Last evaluated: 2024-12-17. Review status: criteria provided, single submitter. Criteria: GeneDx Variant Classification Process June 2021. Collection method: clinical testing. Allele origin: germline. Affected: yes.
Comment: Not observed at significant frequency in large population cohorts (gnomAD); In silico analysis supports that this missense variant has a deleterious effect on protein structure/function; Has not been previously published as pathogenic or benign to our knowledge; Also known as 3199G>C; This variant is associated with the following publications: (PMID: 15343273, 9774970)

Ambry Genetics
Classification: Uncertain significance for Hereditary cancer-predisposing syndrome. Last evaluated: 2024-06-18. Review status: criteria provided, single submitter. Criteria: Ambry Variant Classification Scheme 2023. Collection method: clinical testing. Allele origin: germline.

All of Us Research Program, National Institutes of Health
Classification: Uncertain significance for Breast-ovarian cancer, familial, susceptibility to, 1. Last evaluated: 2023-06-26. Review status: criteria provided, single submitter. Criteria: ACMG Guidelines, 2015. Collection method: clinical testing. Allele origin: germline. Inheritance: Autosomal dominant inheritance. Observed: 1 variant allele, 1 heterozygote.
Comment: This missense variant replaces serine with threonine at codon 1027 of the BRCA1 protein. Computational prediction is inconclusive regarding the impact of this variant on protein structure and function (internally defined REVEL score threshold 0.5 < inconclusive < 0.7, PMID: 27666373). To our knowledge, functional studies have not been reported for this variant. This variant has not been reported in individuals affected with BRCA1-related disorders in the literature. This variant has not been identified in the general population by the Genome Aggregation Database (gnomAD). The available evidence is insufficient to determine the role of this variant in disease conclusively. Therefore, this variant is classified as a Variant of Uncertain Significance.

This study involves interpretation of variants in research participants for the purpose of population health screening. Participant phenotype was not available at the time of variant classification. Additional details can be found in publication PMID: 35346344, PMCID: PMC8962531

Color Diagnostics, LLC DBA Color Health
Classification: Uncertain significance for Hereditary cancer-predisposing syndrome. Last evaluated: 2023-06-15. Review status: criteria provided, single submitter. Criteria: ACMG Guidelines, 2015. Collection method: clinical testing. Allele origin: germline.
Comment: This missense variant replaces serine with threonine at codon 1027 of the BRCA1 protein. Computational prediction is inconclusive regarding the impact of this variant on protein structure and function (internally defined REVEL score threshold 0.5 < inconclusive < 0.7, PMID: 27666373). To our knowledge, functional studies have not been reported for this variant. This variant has not been reported in individuals affected with BRCA1-related disorders in the literature. This variant has not been identified in the general population by the Genome Aggregation Database (gnomAD). The available evidence is insufficient to determine the role of this variant in disease conclusively. Therefore, this variant is classified as a Variant of Uncertain Significance.

University of Washington Department of Laboratory Medicine, University of Washington
Classification: Likely benign for Hereditary cancer-predisposing syndrome. Last evaluated: 2023-03-23. Review status: criteria provided, single submitter. Criteria: Dines et al. (Genet Med. 2020). Collection method: curation. Allele origin: germline.
Comment: Missense variant in a coldspot region where missense variants are very unlikely to be pathogenic (PMID:31911673).

BRCA1 coldspot (exon 11 using historical exon numbering). Reclassification based on statistical prior probability

Women's Health and Genetics/Laboratory Corporation of America, LabCorp
Classification: Uncertain significance. Last evaluated: 2021-03-14. Review status: criteria provided, single submitter. Criteria: LabCorp Variant Classification Summary - May 2015. Collection method: clinical testing. Allele origin: germline.
Comment: Variant summary: BRCA1 c.3080G>C (p.Ser1027Thr) results in a conservative amino acid change in the encoded protein sequence. Three of five in-silico tools predict a benign effect of the variant on protein function. The variant was absent in 251110 control chromosomes. The available data on variant occurrences in the general population are insufficient to allow any conclusion about variant significance. To our knowledge, no occurrence of c.3080G>C in individuals affected with Hereditary Breast And Ovarian Cancer Syndrome and no experimental evidence demonstrating its impact on protein function have been reported. Five clinical diagnostic laboratories have submitted clinical-significance assessments for this variant to ClinVar after 2014 without evidence for independent evaluation. All laboratories classified the variant as uncertain significance. Based on the evidence outlined above, the variant was classified as uncertain significance.

Fulgent Genetics
Classification: Uncertain significance for Familial cancer of breast; Breast-ovarian cancer, familial, susceptibility to, 1; Pancreatic cancer, susceptibility to, 4; Fanconi anemia, complementation group S. Last evaluated: 2018-10-31. Review status: criteria provided, single submitter. Criteria: ACMG Guidelines, 2015. Collection method: clinical testing. Allele origin: unknown.

Quest Diagnostics Nichols Institute San Juan Capistrano
Classification: Uncertain significance. Last evaluated: 2018-04-05. Review status: criteria provided, single submitter. Criteria: Quest Diagnostics criteria. Collection method: clinical testing. Allele origin: germline.

Breakthrough Genomics
Classification: Uncertain significance. Review status: criteria provided, single submitter. Criteria: ACMG Guidelines, 2015. Collection method: not provided. Allele origin: germline. Inheritance: Autosomal recessive inheritance. Affected: yes.

Literature cited by the submitters: PubMed 25085752 (cited by Myriad Genetics, Inc.).

NM_007294.4(BRCA1):c.3080G>C (p.Ser1027Thr)

Gene: BRCA1 (BRCA1 DNA repair associated; minus strand). Cytogenetic location: 17q21.31.
Variant type: single nucleotide variant.
Coding change: c.3080G>C on transcript NM_007294.4 (MANE Select); coding-DNA position 3080, G replaced by C.
Protein change: p.Ser1027Thr; replaces serine 1027 with threonine.
Molecular consequence: missense variant. On other transcripts: intron variant (137).
Genome position (GRCh38, 1-based): chr17:43,092,451, C>G on the plus strand (G>C on the coding strand, the complement: BRCA1 is on the minus strand). VCF-style: chr17-43092451-C-G. GRCh37 (hg19) VCF-style: chr17-41244468-C-G.
Other names: c.2954G>C, p.Ser985Thr (NM_001407673.1, NM_001407649.1, NM_001407670.1 and 11 more transcripts); c.2957G>C, p.Ser986Thr (NM_001407674.1, NM_001407675.1, NM_001407676.1 and 19 more transcripts); c.2939G>C, p.Ser980Thr (NM_001407692.1, NM_001407694.1, NM_001407695.1 and 29 more transcripts); c.2936G>C, p.Ser979Thr (NM_001407740.1, NM_001407741.1, NM_001407742.1 and 20 more transcripts); c.2876G>C, p.Ser959Thr (NM_001407874.1, NM_001407875.1); c.2870G>C, p.Ser957Thr (NM_001407879.1, NM_001407881.1, NM_001407882.1 and 13 more transcripts); c.2867G>C, p.Ser956Thr (NM_001407915.1, NM_001407916.1, NM_001407917.1 and 9 more transcripts); c.2816G>C, p.Ser939Thr (NM_001407929.1, NM_001407933.1, NM_001407935.1 and 9 more transcripts); and 41 more; short protein forms S1027T, S980T, S1000T, S1026T, S915T, S916T, S938T, S956T.
Identifiers: ClinVar variation 496362 (VCV000496362.29), dbSNP rs80357386, ClinGen allele CA10595829.